The following is an entry in ClinVar:

NM_001430.5(EPAS1):c.248C>G (p.Ala83Gly)

Gene: EPAS1 (endothelial PAS domain protein 1; plus strand). Cytogenetic location: 2p21.
Variant type: single nucleotide variant.
Coding change: c.248C>G on transcript NM_001430.5 (MANE Select); coding-DNA position 248, C replaced by G.
Protein change: p.Ala83Gly; replaces alanine 83 with glycine.
Molecular consequence: missense variant.
Genome position (GRCh38, 1-based): chr2:46,356,181, C>G. VCF-style: chr2-46356181-C-G. GRCh37 (hg19) VCF-style: chr2-46583320-C-G.
Other names: short protein forms A83G.
Identifiers: ClinVar variation 1792043 (VCV001792043.2), dbSNP rs1415532082, ClinGen allele CA346697722.

ClinVar aggregate classification (germline): Uncertain significance (1 of 4 stars; one submission).

Conditions:
Inborn genetic diseases. Identifiers: MedGen C0950123, MeSH D030342.

Allele frequency attached by ClinVar (database versions not stated): TOPMed below 0.00001.
gnomAD v4.1: 2 of 1,567,030 alleles (0.00013%); highest among the groups gnomAD compares: East Asian, 0.0023%; no homozygotes.

Submission:

Ambry Genetics
Classification: Uncertain significance for Inborn genetic diseases. Last evaluated: 2022-02-22. Review status: criteria provided, single submitter. Criteria: Ambry Variant Classification Scheme 2023. Collection method: clinical testing. Allele origin: germline.
Comment: The p.A83G variant (also known as c.248C>G), located in coding exon 3 of the EPAS1 gene, results from a C to G substitution at nucleotide position 248. The alanine at codon 83 is replaced by glycine, an amino acid with similar properties. This amino acid position is conserved. In addition, this alteration is predicted to be tolerated by in silico analysis. Since supporting evidence is limited at this time, the clinical significance of this alteration remains unclear.